The following is an entry in ClinVar:

ClinVar aggregate classification (germline): Uncertain significance (1 of 4 stars; one submission).

Allele frequency attached by ClinVar (database versions not stated): TOPMed below 0.00001; gnomAD 0.00001.
gnomAD v4.1: 7 of 1,565,598 alleles (0.00045%); highest among the groups gnomAD compares: Non-Finnish European, 0.00052%; no homozygotes.

Submission:

Labcorp Genetics (formerly Invitae), Labcorp
Classification: Uncertain significance. Last evaluated: 2024-10-17. Review status: criteria provided, single submitter. Criteria: Invitae Variant Classification Sherloc (09022015). Collection method: clinical testing. Allele origin: germline.
Comment: This sequence change falls in intron 5 of the MECR gene. It does not directly change the encoded amino acid sequence of the MECR protein. It affects a nucleotide within the consensus splice site. This variant is not present in population databases (gnomAD no frequency). This variant has not been reported in the literature in individuals affected with MECR-related conditions. ClinVar contains an entry for this variant (Variation ID: 1976482). Variants that disrupt the consensus splice site are a relatively common cause of aberrant splicing (PMID: 17576681, 9536098). Algorithms developed to predict the effect of sequence changes on RNA splicing suggest that this variant is not likely to affect RNA splicing. In summary, the available evidence is currently insufficient to determine the role of this variant in disease. Therefore, it has been classified as a Variant of Uncertain Significance.

Literature cited by the submitters: PubMed 17576681; PubMed 9536098.

NM_016011.5(MECR):c.653+5G>A

Gene: MECR (mitochondrial trans-2-enoyl-CoA reductase; minus strand). Cytogenetic location: 1p35.3.
Variant type: single nucleotide variant.
Coding change: c.653+5G>A on transcript NM_016011.5 (MANE Select); 5 bases into the intron after coding-DNA position 653, G replaced by A.
Molecular consequence: intron variant.
Genome position (GRCh38, 1-based): chr1:29,203,126, C>T on the plus strand (G>A on the coding strand, the complement: MECR is on the minus strand). VCF-style: chr1-29203126-C-T. GRCh37 (hg19) VCF-style: chr1-29529638-C-T.
Other names: c.503+5G>A (NM_001349717.2); c.425+5G>A (NM_001024732.4, NM_001349714.2, NM_001349712.2 and 2 more transcripts); c.737+5G>A (NM_001349716.2); c.758+5G>A (NM_001349715.2).
Identifiers: ClinVar variation 1976482 (VCV001976482.4), dbSNP rs1424327631, ClinGen allele CA522100733.